The following is an entry in ClinVar:

ClinVar aggregate classification (germline): Uncertain significance (1 of 4 stars; one submission).

Allele frequency attached by ClinVar (database versions not stated): gnomAD 0.00001; gnomAD exomes 0.00001; TOPMed 0.00001.
gnomAD v4.1: 14 of 1,613,498 alleles (0.00087%); highest among the groups gnomAD compares: African/African-American, 0.0013%; no homozygotes.

Submission:

CeGaT Center for Human Genetics Tuebingen
Classification: Uncertain significance. Last evaluated: 2022-12-01. Review status: criteria provided, single submitter. Criteria: CeGaT Center For Human Genetics Tuebingen Variant Classification Criteria Version 2. Collection method: clinical testing. Allele origin: germline. Affected: yes. Observed: 1 variant allele.
Comment: MAGEL2: PM2, BP4

NM_019066.5(MAGEL2):c.2803G>A (p.Glu935Lys)

Gene: MAGEL2 (MAGE family member L2; minus strand). Cytogenetic location: 15q11.2.
Variant type: single nucleotide variant.
Coding change: c.2803G>A on transcript NM_019066.5 (MANE Select); coding-DNA position 2803, G replaced by A.
Protein change: p.Glu935Lys; replaces glutamic acid 935 with lysine.
Molecular consequence: missense variant.
Genome position (GRCh38, 1-based): chr15:23,644,940, C>T on the plus strand (G>A on the coding strand, the complement: MAGEL2 is on the minus strand). VCF-style: chr15-23644940-C-T. GRCh37 (hg19) VCF-style: chr15-23890087-C-T.
Other names: short protein forms E935K.
Identifiers: ClinVar variation 2644982 (VCV002644982.24), dbSNP rs534141639, ClinGen allele CA267658605.